The following is an entry in ClinVar:

ClinVar aggregate classification (germline): Pathogenic. Review status: criteria provided, multiple submitters, no conflicts (2 of 4 stars). 3 submissions from 3 submitters: Pathogenic (2). 1 of the submissions does not count toward it. Last evaluated 2021-02-02.

Conditions:
Familial thoracic aortic aneurysm and aortic dissection (TAAD). Also called: Thoracic aortic aneurysms and dissections. Identifiers: Orphanet 91387, MedGen C4707243, MONDO:0019625.
Arterial tortuosity syndrome (ATORS). Identifiers: Orphanet 3342, MedGen C1859726, MONDO:0008818, OMIM 208050.

Submissions (3):

CHEO Genetics Diagnostic Laboratory, Children's Hospital of Eastern Ontario
Classification: Pathogenic for Familial thoracic aortic aneurysm and aortic dissection. Last evaluated: 2021-02-02. Review status: criteria provided, single submitter. Criteria: ACMG Guidelines, 2015. Collection method: clinical testing. Allele origin: germline.

GeneDx
Classification: Pathogenic. Last evaluated: 2018-08-14. Review status: criteria provided, single submitter. Criteria: GeneDx Variant Classification (06012015). Collection method: clinical testing. Allele origin: germline. Affected: yes.
Comment: This variant causes a frameshift starting with codon Leucine 244, changes this amino acid to a Glutamine residue, and creates a premature Stop codon at position 35 of the new reading frame, denoted p.Leu244GlnfsX35. The c.731_734delTAAC variant is predicted to cause loss of normal protein function either through protein truncation or nonsense-mediated mRNA decay. This variant is not observed in large population cohorts (Lek et al., 2016). We interpret c.731_734delTAAC as a pathogenic variant.

GeneReviews
No classification provided. Condition: Arterial tortuosity syndrome. Review status: no classification provided. Collection method: literature only. Allele origin: germline. Affected: yes. Not counted in ClinVar's aggregate classification.

Literature cited by the submitters: PubMed 17935213 (cited by GeneReviews); NCBI Bookshelf NBK253404 (cited by GeneReviews).

NM_030777.4(SLC2A10):c.731_734del (p.Leu244fs)

Gene: SLC2A10 (solute carrier family 2 member 10; plus strand). Cytogenetic location: 20q13.12.
Variant type: Deletion.
Coding change: c.731_734del on transcript NM_030777.4 (MANE Select); coding-DNA positions 731 to 734, 4 bases deleted (TAAC; older notation c.731_734delTAAC).
Protein change: p.Leu244fs; shifts the reading frame from leucine 244.
Molecular consequence: frameshift variant.
Genome position (GRCh38, 1-based): chr20:46,725,767-46,725,770, TAAC deleted; deleting any 4 consecutive bases within chr20:46,725,764-46,725,770 gives the same sequence; the c. name uses the placement nearest the transcript's 3' end. VCF-style (leftmost placement, unchanged base first): chr20-46725763-CAACT-C. GRCh37 (hg19) VCF-style: chr20-45354402-CAACT-C.
Other names: c.731_734delTAAC (NM_030777.3); c.730_733delCTAA (NM_030777.3); short protein forms L244fs.
Identifiers: ClinVar variation 161107 (VCV000161107.6), dbSNP rs864309481, ClinGen allele CA347754.
Genomic context (GRCh38, chr20:46,725,763, plus strand): 5'-AGGGCACGCGATAACATGCGAGGCCGGACCACAGTGGGCCTGGGGCTGGTGCTCTTCCAG[CAACT>C]AACAGGGCAGCCCAACGTGCTGTGCTATGCCTCCACCATCTTCAGCTCCGTTGGTTTCCA-3'